The following is an entry in ClinVar:

ClinVar aggregate classification (germline): Uncertain significance (1 of 4 stars; one submission).

Conditions:
Joubert syndrome 21 (JBTS21). Identifiers: MedGen C3810212, MONDO:0014288, OMIM 615636.

Allele frequency attached by ClinVar (database versions not stated): gnomAD exomes below 0.00001; TOPMed 0.00001.
gnomAD v4.1: 1 of 1,578,064 alleles (0.000063%); highest among the groups gnomAD compares: African/African-American, 0.0014%; no homozygotes.

Submission:

Labcorp Genetics (formerly Invitae), Labcorp
Classification: Uncertain significance for Joubert syndrome 21. Last evaluated: 2022-02-04. Review status: criteria provided, single submitter. Criteria: Invitae Variant Classification Sherloc (09022015). Collection method: clinical testing. Allele origin: germline.
Comment: In summary, the available evidence is currently insufficient to determine the role of this variant in disease. Therefore, it has been classified as a Variant of Uncertain Significance. Algorithms developed to predict the effect of missense changes on protein structure and function (SIFT, PolyPhen-2, Align-GVGD) all suggest that this variant is likely to be tolerated. This variant has not been reported in the literature in individuals affected with CSPP1-related conditions. This variant is not present in population databases (gnomAD no frequency). This sequence change replaces histidine, which is basic and polar, with aspartic acid, which is acidic and polar, at codon 876 of the CSPP1 protein (p.His876Asp).

NM_001382391.1(CSPP1):c.2641C>G (p.His881Asp)

Gene: CSPP1 (centrosome and spindle pole associated protein 1; plus strand). Cytogenetic location: 8q13.2.
Variant type: single nucleotide variant.
Coding change: c.2641C>G on transcript NM_001382391.1 (MANE Select); coding-DNA position 2641, C replaced by G.
Protein change: p.His881Asp; replaces histidine 881 with aspartic acid.
Molecular consequence: missense variant.
Genome position (GRCh38, 1-based): chr8:67,161,913, C>G. VCF-style: chr8-67161913-C-G. GRCh37 (hg19) VCF-style: chr8-68074148-C-G.
Other names: c.1591C>G, p.His531Asp (NM_001291339.2); c.2560C>G, p.His854Asp (NM_001363131.2); c.2446C>G, p.His816Asp (NM_001363132.2); c.2365C>G, p.His789Asp (NM_001363133.2); c.2707C>G, p.His903Asp (NM_001364869.1); c.2527C>G, p.His843Asp (NM_001364870.1); c.2626C>G, p.His876Asp (NM_024790.7); short protein forms H816D, H843D, H876D, H903D, H789D, H854D, H531D, H881D.
Identifiers: ClinVar variation 1434220 (VCV001434220.4), dbSNP rs1828434498, ClinGen allele CA371192539.
Genomic context (GRCh38, chr8:67,161,913, plus strand): 5'-AAAATTGCAAGCAAACTCCAAAGACCTCCTTCAGTTGACAGCATCATACGTTCCTTTATT[C>G]ATGTATGTACTTTTGTTTTTATTTGTTCATCCTAGCTCAGTTATTTTGGATTGGGGGATC-3'
Protein context (NP_001369320.1, residues 871-891): SVDSIIRSFI[His881Asp]ESSMSRAQSP